The following is an entry in ClinVar:

ClinVar aggregate classification (germline): Uncertain significance (1 of 4 stars; one submission).

gnomAD v4.1: 10 of 1,613,224 alleles (0.00062%); highest among the groups gnomAD compares: Admixed American, 0.0067%; no homozygotes.

Submission:

Labcorp Genetics (formerly Invitae), Labcorp
Classification: Uncertain significance. Last evaluated: 2025-10-27. Review status: criteria provided, single submitter. Criteria: Invitae Variant Classification Sherloc (09022015). Collection method: clinical testing. Allele origin: germline.
Comment: This sequence change replaces arginine, which is basic and polar, with threonine, which is neutral and polar, at codon 282 of the TMEM132E protein (p.Arg282Thr). This variant is present in population databases (rs752786544, gnomAD 0.02%). This variant has not been reported in the literature in individuals affected with TMEM132E-related conditions. Experimental studies and prediction algorithms are not available or were not evaluated, and the functional significance of this variant is currently unknown. In summary, the available evidence is currently insufficient to determine the role of this variant in disease. Therefore, it has been classified as a Variant of Uncertain Significance.

NM_001304438.2(TMEM132E):c.845G>C (p.Arg282Thr)

Gene: TMEM132E (transmembrane protein 132E; plus strand). Cytogenetic location: 17q12.
Variant type: single nucleotide variant.
Coding change: c.845G>C on transcript NM_001304438.2 (MANE Select); coding-DNA position 845, G replaced by C.
Protein change: p.Arg282Thr; replaces arginine 282 with threonine.
Molecular consequence: missense variant.
Genome position (GRCh38, 1-based): chr17:34,626,904, G>C. VCF-style: chr17-34626904-G-C. GRCh37 (hg19) VCF-style: chr17-32953923-G-C.
Other names: short protein forms R282T.
Identifiers: ClinVar variation 4709034 (VCV004709034.1).